The following is an entry in ClinVar:

ClinVar aggregate classification (germline): Likely benign. Review status: criteria provided, multiple submitters, no conflicts (2 of 4 stars). 3 submissions from 3 submitters: Likely benign (3). Last evaluated 2024-11-27.

Conditions:
Hereditary cancer-predisposing syndrome. Also called: Hereditary Cancer Syndrome; Hereditary neoplastic syndrome; Neoplastic Syndromes, Hereditary; Tumor predisposition. Identifiers: Orphanet 140162, MedGen C0027672, MeSH D009386, MONDO:0015356.
Oligodontia-cancer predisposition syndrome. Also called: TOOTH AGENESIS-COLORECTAL CANCER SYNDROME. Identifiers: Orphanet 300576, MedGen C1837750, MONDO:0012075, OMIM 608615. Disease mechanism: loss of function.

Allele frequency attached by ClinVar (database versions not stated): gnomAD exomes below 0.00001; gnomAD 0.00001; TOPMed 0.00001.
gnomAD v4.1: 7 of 1,593,950 alleles (0.00044%); highest among the groups gnomAD compares: Admixed American, 0.0017%; no homozygotes.

Submissions (3):

Labcorp Genetics (formerly Invitae), Labcorp
Classification: Likely benign for Oligodontia-cancer predisposition syndrome. Last evaluated: 2024-11-27. Review status: criteria provided, single submitter. Criteria: Invitae Variant Classification Sherloc (09022015). Collection method: clinical testing. Allele origin: germline.

Myriad Genetics, Inc.
Classification: Likely benign for Oligodontia-cancer predisposition syndrome. Last evaluated: 2024-06-27. Review status: criteria provided, single submitter. Criteria: Myriad Autosomal Dominant, Autosomal Recessive and X-Linked Classification Criteria (2023). Collection method: clinical testing. Allele origin: unknown.
Comment: This variant is considered likely benign. This variant is intronic and is not expected to impact mRNA splicing.

Ambry Genetics
Classification: Likely benign for Hereditary cancer-predisposing syndrome. Last evaluated: 2023-08-26. Review status: criteria provided, single submitter. Criteria: Ambry Variant Classification Scheme 2023. Collection method: clinical testing. Allele origin: germline.

NM_004655.4(AXIN2):c.816-4A>G

Gene: AXIN2 (axin 2; minus strand). Cytogenetic location: 17q24.1.
Variant type: single nucleotide variant.
Coding change: c.816-4A>G on transcript NM_004655.4 (MANE Select); 4 bases into the intron before coding-DNA position 816, A replaced by G.
Molecular consequence: intron variant.
Genome position (GRCh38, 1-based): chr17:65,549,664, T>C on the plus strand (A>G on the coding strand, the complement: AXIN2 is on the minus strand). VCF-style: chr17-65549664-T-C. GRCh37 (hg19) VCF-style: chr17-63545782-T-C.
Other names: c.816-4A>G (LRG_296t1, NM_001363813.1).
Identifiers: ClinVar variation 408844 (VCV000408844.10), dbSNP rs1060502153, ClinGen allele CA16615620.